The following is an entry in ClinVar:

ClinVar aggregate classification (germline): Uncertain significance (1 of 4 stars; one submission).

Allele frequency attached by ClinVar (database versions not stated): gnomAD exomes below 0.00001; TOPMed 0.00002.
gnomAD v4.1: 1 of 1,613,022 alleles (0.000062%); highest among the groups gnomAD compares: African/African-American, 0.0013%; no homozygotes.

Submission:

GeneDx
Classification: Uncertain significance. Last evaluated: 2023-01-24. Review status: criteria provided, single submitter. Criteria: GeneDx Variant Classification Process June 2021. Collection method: clinical testing. Allele origin: germline. Affected: yes.
Comment: Not observed at significant frequency in large population cohorts (gnomAD); In silico analysis supports that this missense variant does not alter protein structure/function; Has not been previously published as pathogenic or benign to our knowledge

NM_001346249.2(RALGAPA1):c.6227G>A (p.Cys2076Tyr)

Gene: RALGAPA1 (Ral GTPase activating protein catalytic subunit alpha 1; minus strand). Cytogenetic location: 14q13.2.
Variant type: single nucleotide variant.
Coding change: c.6227G>A on transcript NM_001346249.2 (MANE Select); coding-DNA position 6227, G replaced by A.
Protein change: p.Cys2076Tyr; replaces cysteine 2076 with tyrosine.
Molecular consequence: missense variant.
Genome position (GRCh38, 1-based): chr14:35,627,720, C>T on the plus strand (G>A on the coding strand, the complement: RALGAPA1 is on the minus strand). VCF-style: chr14-35627720-C-T. GRCh37 (hg19) VCF-style: chr14-36096926-C-T.
Other names: c.4748G>A, p.Cys1583Tyr (NM_001283043.3); c.4850G>A, p.Cys1617Tyr (NM_001283044.3, NM_001346245.2, NM_001346247.2); c.6086G>A, p.Cys2029Tyr (NM_001330075.3, NM_001346248.2); c.4709G>A, p.Cys1570Tyr (NM_001346243.2, NM_001346246.2, NM_014990.3 and 1 more transcripts); short protein forms C1570Y, C1583Y, C1617Y, C2029Y, C2076Y.
Identifiers: ClinVar variation 2573826 (VCV002573826.1), dbSNP rs1226959953, ClinGen allele CA389449801.